The following is an entry in ClinVar:

NM_032119.4(ADGRV1):c.17430C>T (p.Asn5810=)

Gene: ADGRV1 (adhesion G protein-coupled receptor V1; plus strand). Cytogenetic location: 5q14.3.
Variant type: single nucleotide variant.
Coding change: c.17430C>T on transcript NM_032119.4 (MANE Select); coding-DNA position 17430, C replaced by T.
Protein change: p.Asn5810=; no amino-acid change (asparagine 5810 retained).
Molecular consequence: synonymous variant. On other transcripts: non-coding transcript variant (1).
Genome position (GRCh38, 1-based): chr5:90,853,509, C>T. VCF-style: chr5-90853509-C-T. GRCh37 (hg19) VCF-style: chr5-90149326-C-T.
Identifiers: ClinVar variation 4281503 (VCV004281503.7).

ClinVar aggregate classification (germline): Likely benign (1 of 4 stars; one submission).

Submission:

CeGaT Center for Human Genetics Tuebingen
Classification: Likely benign. Last evaluated: 2025-09-01. Review status: criteria provided, single submitter. Criteria: CeGaT Center For Human Genetics Tuebingen Variant Classification Criteria Version 2. Collection method: clinical testing. Allele origin: germline. Affected: yes. Observed: 1 variant allele.
Comment: ADGRV1: PM2:Supporting, BP4, BP7